The following is an entry in ClinVar:

ClinVar aggregate classification (germline): Uncertain significance (1 of 4 stars; one submission).

Conditions:
Singleton-Merten syndrome 1 (SGMRT1). Also called: Widened medullary cavities of bone, aortic calcification, abnormal dentition, and muscular weakness; Syndrome of widened medullary cavities of the metacarpals and phalanges, aortic calcification and abnormal dentition. Identifiers: Orphanet 85191, MedGen C4225427, MONDO:0024535, OMIM 182250.
Aicardi-Goutieres syndrome 7 (AGS7). Identifiers: Orphanet 51, MedGen C3888244, MONDO:0014367, OMIM 615846.

Submission:

Labcorp Genetics (formerly Invitae), Labcorp
Classification: Uncertain significance for Aicardi-Goutieres syndrome 7; Singleton-Merten syndrome 1. Last evaluated: 2025-09-24. Review status: criteria provided, single submitter. Criteria: Invitae Variant Classification Sherloc (09022015). Collection method: clinical testing. Allele origin: germline.
Comment: This sequence change replaces aspartic acid, which is acidic and polar, with glycine, which is neutral and non-polar, at codon 259 of the IFIH1 protein (p.Asp259Gly). This variant is not present in population databases (gnomAD no frequency). This variant has not been reported in the literature in individuals affected with IFIH1-related conditions. Invitae Evidence Modeling of protein sequence and biophysical properties (such as structural, functional, and spatial information, amino acid conservation, physicochemical variation, residue mobility, and thermodynamic stability) has been performed for this missense variant. However, the output from this modeling did not meet the statistical confidence thresholds required to predict the impact of this variant on IFIH1 protein function. In summary, the available evidence is currently insufficient to determine the role of this variant in disease. Therefore, it has been classified as a Variant of Uncertain Significance.

NM_022168.4(IFIH1):c.776A>G (p.Asp259Gly)

Gene: IFIH1 (interferon induced with helicase C domain 1; minus strand). Cytogenetic location: 2q24.2.
Variant type: single nucleotide variant.
Coding change: c.776A>G on transcript NM_022168.4 (MANE Select); coding-DNA position 776, A replaced by G.
Protein change: p.Asp259Gly; replaces aspartic acid 259 with glycine.
Molecular consequence: missense variant.
Genome position (GRCh38, 1-based): chr2:162,293,662, T>C on the plus strand (A>G on the coding strand, the complement: IFIH1 is on the minus strand). VCF-style: chr2-162293662-T-C. GRCh37 (hg19) VCF-style: chr2-163150172-T-C.
Other names: short protein forms D259G.
Identifiers: ClinVar variation 4789326 (VCV004789326.1).